The following is an entry in ClinVar:

NM_000132.4(F8):c.1930T>G (p.Leu644Val)

Gene: F8 (coagulation factor VIII; minus strand). Cytogenetic location: Xq28.
Variant type: single nucleotide variant.
Coding change: c.1930T>G on transcript NM_000132.4 (MANE Select); coding-DNA position 1930, T replaced by G.
Protein change: p.Leu644Val; replaces leucine 644 with valine.
Molecular consequence: missense variant.
Genome position (GRCh38, 1-based): chrX:154,947,881, A>C on the plus strand (T>G on the coding strand, the complement: F8 is on the minus strand). VCF-style: chrX-154947881-A-C. GRCh37 (hg19) VCF-style: chrX-154176156-A-C.
Other names: short protein forms L644V.
Identifiers: ClinVar variation 1677256 (VCV001677256.1), dbSNP rs2124082414, ClinGen allele CA414909682.

ClinVar aggregate classification (germline): Likely pathogenic (1 of 4 stars; one submission).

Conditions:
Hereditary factor VIII deficiency disease (HEMA). Also called: HEMOPHILIA, CLASSIC; AUTOSOMAL HEMOPHILIA A; Hemophilia A; Hemophilia A, congenital; HEM A; Factor 8 deficiency, congenital. Identifiers: Orphanet 98878, MedGen C0019069, MONDO:0010602, OMIM 306700.

Submission:

ISTH-SSC Genomics in Thrombosis and Hemostasis, KU Leuven, Center for Molecular and Vascular Biology
Classification: Likely pathogenic for Hereditary factor VIII deficiency disease. Review status: criteria provided, single submitter. Criteria: ACMG Guidelines, 2015. Collection method: clinical testing. Allele origin: unknown. Affected: yes and no. Observed: 2 hemizygotes. Clinical features observed: Factor 8 of 56%.
Comment: GoldVariant submitter: Dr Karyn Mégy, NIHR Bioresource - Cambridge University, UK and Kathleen Freson, Center for Molecular and Vascular Biology, Leuven, Belgium

Literature cited by the submitters: PubMed 34355501.